The following is an entry in ClinVar:

ClinVar aggregate classification (germline): Pathogenic. Review status: criteria provided, single submitter (1 of 4 stars). 3 submissions from 3 submitters: Pathogenic (1). 2 of the submissions do not count toward it. Last evaluated 2023-10-01.

Conditions:
Retinal dystrophy. Also called: Inherited retinal dystrophy. Identifiers: Orphanet 71862, MedGen C0854723, MeSH D058499, MONDO:0019118, HP:0000556.

Submissions (3):

Dept Of Ophthalmology, Nagoya University
Classification: Pathogenic for Retinal dystrophy. Last evaluated: 2023-10-01. Review status: criteria provided, single submitter. Criteria: Submitter's publication. Collection method: research. Allele origin: germline. Affected: yes.

Leiden Open Variation Database
Classification: Pathogenic. Last evaluated: 2021-04-06. Review status: no assertion criteria provided. Collection method: curation. Allele origin: germline. Affected: yes. Not counted in ClinVar's aggregate classification.
Comment: Curator: Global Variome, with Curator vacancy. Submitter to LOVD: Manon Peeters.

Retina International
No classification provided. Review status: no classification provided. Collection method: not provided. Allele origin: not provided. Not counted in ClinVar's aggregate classification.

Literature cited by the submitters: PubMed 8540854 (cited by Leiden Open Variation Database).

NM_000322.5(PRPH2):c.730A>C (p.Asn244His)

Gene: PRPH2 (peripherin 2; minus strand). Cytogenetic location: 6p21.1.
Variant type: single nucleotide variant.
Coding change: c.730A>C on transcript NM_000322.5 (MANE Select); coding-DNA position 730, A replaced by C.
Protein change: p.Asn244His; replaces asparagine 244 with histidine.
Molecular consequence: missense variant.
Genome position (GRCh38, 1-based): chr6:42,704,463, T>G on the plus strand (A>C on the coding strand, the complement: PRPH2 is on the minus strand). VCF-style: chr6-42704463-T-G. GRCh37 (hg19) VCF-style: chr6-42672201-T-G.
Other names: short protein forms N244H.
Identifiers: ClinVar variation 98704 (VCV000098704.3), dbSNP rs61755815, ClinGen allele CA226302.
Genomic context (GRCh38, chr6:42,704,463, plus strand): 5'-AGTTCATGAGGCTGCTGTAGTAGCTCAGCAGGGCAGCCCTGCAGCCACGCACCCACAGGT[T>G]GAGCTCCTCCGTCTGGTGGTCGTAACTGTAGTGTGCTGAGTTGTTGGTGATCTGATACTG-3'
Protein context (NP_000313.2, residues 234-254): YSYDHQTEEL[Asn244His]LWVRGCRAAL